The following is an entry in ClinVar:

ClinVar aggregate classification (germline): Uncertain significance (1 of 4 stars; one submission).

Conditions:
Emery-Dreifuss muscular dystrophy (EDMD). Also called: Scapuloperoneal syndrome, X-linked (formerly); Humeroperoneal neuromuscular disease, (formerly). Identifiers: Orphanet 261, MedGen C0410189, MONDO:0016830.

Allele frequency attached by ClinVar (database versions not stated): gnomAD exomes below 0.00001.
gnomAD v4.1: 1 of 1,613,886 alleles (0.000062%); highest among the groups gnomAD compares: Admixed American, 0.0017%; no homozygotes.

Submission:

Labcorp Genetics (formerly Invitae), Labcorp
Classification: Uncertain significance for Emery-Dreifuss muscular dystrophy. Last evaluated: 2023-12-19. Review status: criteria provided, single submitter. Criteria: Invitae Variant Classification Sherloc (09022015). Collection method: clinical testing. Allele origin: germline.
Comment: This sequence change replaces glutamine, which is neutral and polar, with arginine, which is basic and polar, at codon 31 of the SUN2 protein (p.Gln31Arg). This variant is not present in population databases (gnomAD no frequency). This variant has not been reported in the literature in individuals affected with SUN2-related conditions. An algorithm developed to predict the effect of missense changes on protein structure and function (PolyPhen-2) suggests that this variant is likely to be tolerated. In summary, the available evidence is currently insufficient to determine the role of this variant in disease. Therefore, it has been classified as a Variant of Uncertain Significance.

NM_015374.3(SUN2):c.92A>G (p.Gln31Arg)

Gene: SUN2 (Sad1 and UNC84 domain containing 2; minus strand). Cytogenetic location: 22q13.1.
Variant type: single nucleotide variant.
Coding change: c.92A>G on transcript NM_015374.3 (MANE Select); coding-DNA position 92, A replaced by G.
Protein change: p.Gln31Arg; replaces glutamine 31 with arginine.
Molecular consequence: missense variant.
Genome position (GRCh38, 1-based): chr22:38,752,537, T>C on the plus strand (A>G on the coding strand, the complement: SUN2 is on the minus strand). VCF-style: chr22-38752537-T-C. GRCh37 (hg19) VCF-style: chr22-39148542-T-C.
Other names: c.92A>G, p.Gln31Arg (NM_001199579.2, NM_001199580.2, NM_001394427.1 and 18 more transcripts); short protein forms Q31R.
Identifiers: ClinVar variation 2704347 (VCV002704347.3), dbSNP rs2518148013, ClinGen allele CA411587517.